The following is an entry in ClinVar:

NM_004431.5(EPHA2):c.2874C>T (p.Ile958=)

Gene: EPHA2 (EPH receptor A2; minus strand). Cytogenetic location: 1p36.13.
Variant type: single nucleotide variant.
Coding change: c.2874C>T on transcript NM_004431.5 (MANE Select); coding-DNA position 2874, C replaced by T.
Protein change: p.Ile958=; no amino-acid change (isoleucine 958 retained).
Molecular consequence: synonymous variant.
Genome position (GRCh38, 1-based): chr1:16,125,272, G>A on the plus strand (C>T on the coding strand, the complement: EPHA2 is on the minus strand). VCF-style: chr1-16125272-G-A. GRCh37 (hg19) VCF-style: chr1-16451767-G-A.
Other names: c.2712C>T, p.Ile904= (NM_001329090.2).
Identifiers: ClinVar variation 259392 (VCV000259392.18), dbSNP rs3754334, ClinGen allele CA624673.

ClinVar aggregate classification (germline): Benign. Review status: criteria provided, multiple submitters, no conflicts (2 of 4 stars). 6 submissions from 6 submitters: Benign (6). Last evaluated 2026-01-27.

Conditions:
Cataract 6 multiple types. Also called: CATARACT, AGE-RELATED CORTICAL, 2; CATARACT 6, POSTERIOR POLAR; CATARACT 6, CONGENITAL TOTAL. Identifiers: Orphanet 91492, MedGen C1861825, MONDO:0007288, OMIM 116600.

Allele frequency attached by ClinVar (database versions not stated): ESP Exome Variant Server 0.22789; 1000 Genomes Project 30x 0.23454; gnomAD 0.23636 and 0.24028; 1000 Genomes Project 0.23662; TOPMed 0.23780; ExAC 0.27513; gnomAD exomes 0.27630 and 0.27810.
gnomAD v4.1: 440,172 of 1,613,100 alleles (27%); highest among the groups gnomAD compares: South Asian, 35%; 62,352 homozygotes.

Submissions (6):

Labcorp Genetics (formerly Invitae), Labcorp
Classification: Benign for Cataract 6 multiple types. Last evaluated: 2026-01-27. Review status: criteria provided, single submitter. Criteria: Invitae Variant Classification Sherloc (09022015). Collection method: clinical testing. Allele origin: germline.

Genome-Nilou Lab
Classification: Benign for Cataract 6 multiple types. Last evaluated: 2021-07-30. Review status: criteria provided, single submitter. Criteria: ACMG Guidelines, 2015. Collection method: clinical testing. Allele origin: germline. Affected: no.

GeneDx
Classification: Benign. Last evaluated: 2018-04-12. Review status: criteria provided, single submitter. Criteria: GeneDx Variant Classification (06012015). Collection method: clinical testing. Allele origin: germline. Affected: yes.
Comment: This variant is considered likely benign or benign based on one or more of the following criteria: it is a conservative change, it occurs at a poorly conserved position in the protein, it is predicted to be benign by multiple in silico algorithms, and/or has population frequency not consistent with disease.

Illumina Laboratory Services, Illumina
Classification: Benign for Cataract 6 multiple types. Last evaluated: 2018-01-12. Review status: criteria provided, single submitter. Criteria: ICSL Variant Classification Criteria 13 December 2019. Collection method: clinical testing. Allele origin: germline.
Comment: This variant was observed in the ICSL laboratory as part of a predisposition screen in an ostensibly healthy population. It had not been previously curated by ICSL or reported in the Human Gene Mutation Database (HGMD: prior to June 1st, 2018), and was therefore a candidate for classification through an automated scoring system. Utilizing variant allele frequency, disease prevalence and penetrance estimates, and inheritance mode, an automated score was calculated to assess if this variant is too frequent to cause the disease. Based on the score and internal cut-off values, a variant classified as benign is not then subjected to further curation. The score for this variant resulted in a classification of benign for this disease.

Breakthrough Genomics
Classification: Benign. Review status: criteria provided, single submitter. Criteria: ACMG Guidelines, 2015. Collection method: not provided. Allele origin: germline. Inheritance: Autosomal dominant inheritance. Affected: yes.

PreventionGenetics, part of Exact Sciences
Classification: Benign. Review status: criteria provided, single submitter. Criteria: ACMG Guidelines, 2015. Collection method: clinical testing. Allele origin: germline.